The following is an entry in ClinVar:

ClinVar aggregate classification (germline): Uncertain significance (1 of 4 stars; one submission).

Conditions:
Bethlem myopathy 1A. Also called: MYOPATHY, BENIGN CONGENITAL, WITH CONTRACTURES; Bethlem myopathy 1; Bethlem Muscular Dystrophy. Identifiers: Orphanet 610, MedGen CN029274, MONDO:0024530, OMIM 158810.

Submission:

Labcorp Genetics (formerly Invitae), Labcorp
Classification: Uncertain significance for Bethlem myopathy 1A. Last evaluated: 2024-07-08. Review status: criteria provided, single submitter. Criteria: Invitae Variant Classification Sherloc (09022015). Collection method: clinical testing. Allele origin: germline.
Comment: This sequence change falls in intron 16 of the COL6A3 gene. It does not directly change the encoded amino acid sequence of the COL6A3 protein. This variant is not present in population databases (gnomAD no frequency). This variant has not been reported in the literature in individuals affected with COL6A3-related conditions. Algorithms developed to predict the effect of sequence changes on RNA splicing suggest that this variant may disrupt the consensus splice site. In summary, the available evidence is currently insufficient to determine the role of this variant in disease. Therefore, it has been classified as a Variant of Uncertain Significance.

NM_004369.4(COL6A3):c.6210+9_6210+19del

Gene: COL6A3 (collagen type VI alpha 3 chain; minus strand). Cytogenetic location: 2q37.3.
Variant type: Deletion.
Coding change: c.6210+9_6210+19del on transcript NM_004369.4 (MANE Select); bases 9 to 19 of the intron after coding-DNA position 6210, 11 bases deleted (AAATTGTTTTA).
Molecular consequence: intron variant.
Genome position (GRCh38, 1-based): chr2:237,361,102-237,361,112, TAAAACAATTT deleted on the plus strand (AAATTGTTTTA on the coding strand, the reverse complement: COL6A3 is on the minus strand); deleting any 11 consecutive bases within chr2:237,361,102-237,361,113 gives the same sequence; the c. name uses the placement nearest the transcript's 3' end. VCF-style (leftmost placement, unchanged base first): chr2-237361101-CTAAAACAATTT-C. GRCh37 (hg19) VCF-style: chr2-238269744-CTAAAACAATTT-C.
Other names: c.4389+9_4389+19del (NM_057166.5); c.5592+9_5592+19del (NM_057167.4).
Identifiers: ClinVar variation 2967659 (VCV002967659.3), dbSNP rs2469864934, ClinGen allele CA2740096506.